The following is an entry in ClinVar:

NM_145207.3(AFG2A):c.1912A>G (p.Lys638Glu)

Gene: AFG2A (AAA ATPase AFG2A; plus strand). Cytogenetic location: 4q28.1.
Variant type: single nucleotide variant.
Coding change: c.1912A>G on transcript NM_145207.3 (MANE Select); coding-DNA position 1912, A replaced by G.
Protein change: p.Lys638Glu; replaces lysine 638 with glutamic acid.
Molecular consequence: missense variant.
Genome position (GRCh38, 1-based): chr4:123,028,228, A>G. VCF-style: chr4-123028228-A-G. GRCh37 (hg19) VCF-style: chr4-123949383-A-G.
Other names: c.1909A>G, p.Lys637Glu (NM_001317799.2, NM_001345856.2); short protein forms K638E, K637E.
Identifiers: ClinVar variation 568026 (VCV000568026.23), dbSNP rs560475969, ClinGen allele CA3070582.
Genomic context (GRCh38, chr4:123,028,228, plus strand): 5'-AAATGTTCTATTTTTCAGGTATCCTGGTCAGATATAGGAGGACTGGAAAGTATCAAACTG[A>G]AGTTGGAACAGGCTGTGGAATGGCCCTTAAAACATCCAGAGTCTTTCATTCGAATGGGTA-3'
Protein context (NP_660208.2, residues 628-648): DIGGLESIKL[Lys638Glu]LEQAVEWPLK

ClinVar aggregate classification (germline): Conflicting classifications of pathogenicity. Review status: criteria provided, conflicting classifications (1 of 4 stars). 6 submissions from 6 submitters: Pathogenic (2); Likely pathogenic (1); Uncertain significance (2). 1 of the submissions does not count toward it. Last evaluated 2026-01-22.

Conditions:
SPATA5-related neurodevelopmental disorder.
AFG2A-related disorder. Also called: AFG2A-related condition.
Microcephaly-intellectual disability-sensorineural hearing loss-epilepsy-abnormal muscle tone syndrome (NEDHSB). Also called: NEURODEVELOPMENTAL DISORDER WITH HEARING LOSS, SEIZURES, AND BRAIN ABNORMALITIES. Identifiers: Orphanet 457351, MedGen C4225276, MONDO:0014698, OMIM 616577.
SPATA5-related disorder.

Allele frequency attached by ClinVar (database versions not stated): ExAC 0.00002; gnomAD exomes 0.00003 and 0.00004; gnomAD 0.00016; TOPMed 0.00036; 1000 Genomes Project 30x 0.00047; 1000 Genomes Project 0.00060.
gnomAD v4.1: 51 of 1,614,140 alleles (0.0032%); highest among the groups gnomAD compares: Admixed American, 0.055%; no homozygotes.

Submissions (6):

PreventionGenetics, part of Exact Sciences
Classification: Uncertain significance for AFG2A-related condition. Last evaluated: 2026-01-22. Review status: criteria provided, single submitter. Criteria: ACMG Guidelines, 2015. Collection method: clinical testing. Allele origin: germline.
Comment: The AFG2A c.1912A>G variant is predicted to result in the amino acid substitution p.Lys638Glu. This variant is reported in the literature with the alternative gene name SPATA5. It has been reported along with a deletion of AFG2A exons 12-13 in individuals with AFG2A-related disorders; the phase of the variants was not reported (Khurana et al. 2019. doi: 10.1212/WNL.92.15_supplement.P4.6-062; Supplemental Table 2, McKnight et al. 2022. PubMed ID: 34926809). This variant is reported in 0.011% of alleles in individuals of Latino descent in gnomAD. At this time, the clinical significance of this variant is uncertain due to the absence of conclusive functional and genetic evidence.

Labcorp Genetics (formerly Invitae), Labcorp
Classification: Pathogenic for Microcephaly-intellectual disability-sensorineural hearing loss-epilepsy-abnormal muscle tone syndrome. Last evaluated: 2025-11-12. Review status: criteria provided, single submitter. Criteria: Invitae Variant Classification Sherloc (09022015). Collection method: clinical testing. Allele origin: germline.
Comment: This sequence change replaces lysine, which is basic and polar, with glutamic acid, which is acidic and polar, at codon 638 of the SPATA5 protein (p.Lys638Glu). This variant is present in population databases (rs560475969, gnomAD 0.01%). This missense change has been observed in individual(s) with epilepsy (internal data). In at least one individual the data is consistent with being in trans (on the opposite chromosome) from a pathogenic variant. ClinVar contains an entry for this variant (Variation ID: 568026). Invitae Evidence Modeling of protein sequence and biophysical properties (such as structural, functional, and spatial information, amino acid conservation, physicochemical variation, residue mobility, and thermodynamic stability) has been performed for this missense variant. However, the output from this modeling did not meet the statistical confidence thresholds required to predict the impact of this variant on SPATA5 protein function. For these reasons, this variant has been classified as Pathogenic.

Women's Health and Genetics/Laboratory Corporation of America, LabCorp
Classification: Likely pathogenic for Microcephaly-intellectual disability-sensorineural hearing loss-epilepsy-abnormal muscle tone syndrome. Last evaluated: 2025-10-08. Review status: criteria provided, single submitter. Criteria: LabCorp Variant Classification Summary - May 2015. Collection method: clinical testing. Allele origin: germline.
Comment: Variant summary: AFG2A c.1912A>G (p.Lys638Glu) results in a conservative amino acid change in the encoded protein sequence. Algorithms developed to predict the effect of missense changes on protein structure and function are either unavailable or do not agree on the potential impact of this missense change. The variant allele was found at a frequency of 3.6e-05 in 251436 control chromosomes. c.1912A>G has been observed in individual(s) affected with Epilepsy, Hearing Loss, And Mental Retardation Syndrome (McKnight_2022, internal data). These data indicate that the variant may be associated with disease. To our knowledge, no experimental evidence demonstrating an impact on protein function has been reported. The following publication has been ascertained in the context of this evaluation (PMID: 34926809). ClinVar contains an entry for this variant (Variation ID: 568026). Based on the evidence outlined above, the variant was classified as likely pathogenic.

GeneDx
Classification: Pathogenic. Last evaluated: 2024-11-27. Review status: criteria provided, single submitter. Criteria: GeneDx Variant Classification Process June 2021. Collection method: clinical testing. Allele origin: germline. Affected: yes.
Comment: Identified in two patients with epilepsy in published literature, however, a second SPATA5 variant is not described (PMID: 34926809); Not observed at significant frequency in large population cohorts (gnomAD); In silico analysis indicates that this missense variant does not alter protein structure/function; This variant is associated with the following publications: (PMID: 34926809)

Blueprint Genetics
Classification: Uncertain significance. Last evaluated: 2021-03-12. Review status: criteria provided, single submitter. Criteria: ACMG Guidelines, 2015. Collection method: clinical testing. Allele origin: germline.

Fulgent Genetics
Classification: Uncertain significance for Microcephaly-intellectual disability-sensorineural hearing loss-epilepsy-abnormal muscle tone syndrome. Last evaluated: 2018-10-31. Review status: flagged submission. Criteria: ACMG Guidelines, 2015. Collection method: clinical testing. Allele origin: unknown. Not counted in ClinVar's aggregate classification.
ClinVar note: Reason: Older and outlier claim with insufficient supporting evidence

Literature cited by the submitters: PubMed 34926809 (cited by Women's Health and Genetics/Laboratory Corporation of America, LabCorp).